The following is an entry in ClinVar:

ClinVar aggregate classification (germline): Uncertain significance (1 of 4 stars; one submission).

Submission:

Labcorp Genetics (formerly Invitae), Labcorp
Classification: Uncertain significance. Last evaluated: 2025-05-05. Review status: criteria provided, single submitter. Criteria: Invitae Variant Classification Sherloc (09022015). Collection method: clinical testing. Allele origin: germline.
Comment: This sequence change replaces aspartic acid, which is acidic and polar, with asparagine, which is neutral and polar, at codon 1282 of the GPR179 protein (p.Asp1282Asn). This variant is not present in population databases (gnomAD no frequency). This variant has not been reported in the literature in individuals affected with GPR179-related conditions. ClinVar contains an entry for this variant (Variation ID: 1952143). An algorithm developed to predict the effect of missense changes on protein structure and function outputs the following: PolyPhen-2: "Benign". The asparagine amino acid residue is found in multiple mammalian species, which suggests that this missense change does not adversely affect protein function. In summary, the available evidence is currently insufficient to determine the role of this variant in disease. Therefore, it has been classified as a Variant of Uncertain Significance.

NM_001004334.4(GPR179):c.3844G>A (p.Asp1282Asn)

Gene: GPR179 (G protein-coupled receptor 179; minus strand). Cytogenetic location: 17q12.
Variant type: single nucleotide variant.
Coding change: c.3844G>A on transcript NM_001004334.4 (MANE Select); coding-DNA position 3844, G replaced by A.
Protein change: p.Asp1282Asn; replaces aspartic acid 1282 with asparagine.
Molecular consequence: missense variant.
Genome position (GRCh38, 1-based): chr17:38,329,725, C>T on the plus strand (G>A on the coding strand, the complement: GPR179 is on the minus strand). VCF-style: chr17-38329725-C-T. GRCh37 (hg19) VCF-style: chr17-36485608-C-T.
Other names: short protein forms D1282N.
Identifiers: ClinVar variation 1952143 (VCV001952143.5), dbSNP rs2512160355, ClinGen allele CA398878402.
Genomic context (GRCh38, chr17:38,329,725, plus strand): 5'-CATCTATGGGCTCTGATTTTCCCCGGGCCTCCCCTCTCTTTTTTTGGGAGTCACCTGGGT[C>T]TTGTCTTAGTGCCCTCGACTCTGGGGCTCCTTCACTCGTCTCCCAGGGGCAGATTTCGGC-3'
Protein context (NP_001004334.3, residues 1272-1292): GAPESRALRQ[Asp1282Asn]PGDSQKKRGE